The following is an entry in ClinVar:

ClinVar aggregate classification (germline): Benign. Review status: criteria provided, single submitter (1 of 4 stars). 2 submissions from 2 submitters: Benign (1). 1 of the submissions does not count toward it. Last evaluated 2019-12-31.

Conditions:
ZFHX4-related disorder. Also called: ZFHX4-related condition.

Allele frequency attached by ClinVar (database versions not stated): ESP Exome Variant Server 0.00065; gnomAD 0.00072 and 0.00073; TOPMed 0.00095; 1000 Genomes Project 0.00120; 1000 Genomes Project 30x 0.00141.
gnomAD v4.1: 251 of 1,613,992 alleles (0.016%); highest among the groups gnomAD compares: African/African-American, 0.28%; 1 homozygote.

Submissions (2):

Labcorp Genetics (formerly Invitae), Labcorp
Classification: Benign. Last evaluated: 2019-12-31. Review status: criteria provided, single submitter. Criteria: Invitae Variant Classification Sherloc (09022015). Collection method: clinical testing. Allele origin: germline.

PreventionGenetics, part of Exact Sciences
Classification: Likely benign for ZFHX4-related condition. Last evaluated: 2019-11-14. Review status: no assertion criteria provided. Collection method: clinical testing. Allele origin: germline. Not counted in ClinVar's aggregate classification.
Comment: This variant is classified as likely benign based on ACMG/AMP sequence variant interpretation guidelines (Richards et al. 2015 PMID: 25741868, with internal and published modifications).

NM_024721.5(ZFHX4):c.597A>T (p.Ser199=)

Gene: ZFHX4 (zinc finger homeobox 4; plus strand). Cytogenetic location: 8q21.13.
Variant type: single nucleotide variant.
Coding change: c.597A>T on transcript NM_024721.5 (MANE Select); coding-DNA position 597, A replaced by T.
Protein change: p.Ser199=; no amino-acid change (serine 199 retained).
Molecular consequence: synonymous variant.
Genome position (GRCh38, 1-based): chr8:76,704,685, A>T. VCF-style: chr8-76704685-A-T. GRCh37 (hg19) VCF-style: chr8-77616920-A-T.
Identifiers: ClinVar variation 734150 (VCV000734150.6), dbSNP rs191883247, ClinGen allele CA4786664.
Genomic context (GRCh38, chr8:76,704,685, plus strand): 5'-GTCTGCTTCTGCACCTATGTCGTTCTACCCACAGATCATCAACACTTTTCATATCGCTTC[A>T]TCCCTCGGGAAACCATTTACAGCCGATCAGGCTTTCCCAAATACCTCAGCATTAGCAGGA-3'
Protein context (NP_078997.4, residues 189-209): PQIINTFHIA[Ser199=]SLGKPFTADQ